The following is an entry in ClinVar:

ClinVar aggregate classification (germline): Pathogenic (1 of 4 stars; one submission).

Conditions:
Pendred syndrome (PDS). Also called: DEAFNESS WITH GOITER; GOITER-DEAFNESS SYNDROME; HYPOTHYROIDISM, CONGENITAL, DUE TO DYSHORMONOGENESIS, 2B; THYROID DYSHORMONOGENESIS 2B; THYROID HORMONOGENESIS, GENETIC DEFECT IN, 2B; Pendred's syndrome. Identifiers: Orphanet 705, MedGen C0271829, MONDO:0010134, OMIM 274600.

Submission:

Myriad Genetics, Inc.
Classification: Pathogenic for Pendred syndrome. Last evaluated: 2023-09-27. Review status: criteria provided, single submitter. Criteria: Myriad Autosomal Dominant, Autosomal Recessive and X-Linked Classification Criteria (2023). Collection method: clinical testing. Allele origin: unknown.
Comment: NM_000441.1(SLC26A4):c.319dupC(L107Pfs*75) is expected to be pathogenic in the context of Pendred syndrome. This variant is predicted to lead to an abnormal or absent protein product due to the creation of a premature termination codon in SLC26A4, a gene where loss-of-function variants are known to be pathogenic. Please note: this variant was assessed in the context of healthy population screening.

NM_000441.2(SLC26A4):c.319dup (p.Leu107fs)

Gene: SLC26A4 (solute carrier family 26 member 4; plus strand). Cytogenetic location: 7q22.3.
Variant type: Duplication.
Coding change: c.319dup on transcript NM_000441.2 (MANE Select); coding-DNA position 319, one base duplicated (C; older notation c.319dupC).
Protein change: p.Leu107fs; shifts the reading frame from leucine 107.
Molecular consequence: frameshift variant.
Genome position (GRCh38, 1-based): chr7:107,672,152, C duplicated; the last of 3 consecutive C bases (chr7:107,672,150-107,672,152); duplicating any one gives the same sequence. VCF-style (leftmost placement, unchanged base first): chr7-107672149-G-GC. GRCh37 (hg19) VCF-style: chr7-107312594-G-GC.
Other names: short protein forms L107fs.
Identifiers: ClinVar variation 5012161 (VCV005012161.1).